The following is an entry in ClinVar:

ClinVar aggregate classification (germline): Uncertain significance (1 of 4 stars; one submission).

Submission:

Ambry Genetics
Classification: Uncertain significance. Last evaluated: 2025-12-10. Review status: criteria provided, single submitter. Criteria: Ambry Variant Classification Scheme 2023. Collection method: clinical testing. Allele origin: germline.
Comment: The p.M30I variant (also known as c.90G>T), located in coding exon 1 of the KIF1B gene, results from a G to T substitution at nucleotide position 90. The methionine at codon 30 is replaced by isoleucine, an amino acid with highly similar properties. This amino acid position is conserved. In addition, this alteration is predicted to be deleterious by in silico analysis. Based on the available evidence, the clinical significance of this variant remains unclear.

NM_001365951.3(KIF1B):c.90G>T (p.Met30Ile)

Genes: KIF1B (kinesin family member 1B; plus strand), LOC129388446 (MPRA-validated peak64 silencer; plus strand). Cytogenetic location: 1p36.22.
Variant type: single nucleotide variant.
Coding change: c.90G>T on transcript NM_001365951.3 (MANE Select); coding-DNA position 90, G replaced by T.
Protein change: p.Met30Ile; replaces methionine 30 with isoleucine.
Molecular consequence: missense variant.
Genome position (GRCh38, 1-based): chr1:10,232,418, G>T. VCF-style: chr1-10232418-G-T. GRCh37 (hg19) VCF-style: chr1-10292476-G-T.
Other names: c.90G>T, p.Met30Ile (NM_001365952.1, NM_001365953.1, NM_015074.3 and 1 more transcripts); short protein forms M30I.
Identifiers: ClinVar variation 4543692 (VCV004543692.1).
Genomic context (GRCh38, chr1:10,232,418, plus strand): 5'-CCGGGTAAGGCCCTTCAATTCTCGAGAGACCAGCAAGGAATCCAAATGCATCATTCAGAT[G>T]CAAGGCAACTCGACCAGTGAGTACATGTTGTTTTCTCTCAGCTGTGTATCTTACTTTCCT-3'
Protein context (NP_001352880.1, residues 20-40): TSKESKCIIQ[Met30Ile]QGNSTSIINP